The following is an entry in ClinVar:

NM_000051.4(ATM):c.8653C>T (p.Leu2885Phe)

Genes: C11orf65 (chromosome 11 open reading frame 65; minus strand), ATM (ATM serine/threonine kinase; plus strand). Cytogenetic location: 11q22.3.
Variant type: single nucleotide variant.
Coding change: c.8653C>T on transcript NM_000051.4 (MANE Select); coding-DNA position 8653, C replaced by T.
Protein change: p.Leu2885Phe; replaces leucine 2885 with phenylalanine.
Molecular consequence: missense variant. On other transcripts: intron variant (2).
Genome position (GRCh38, 1-based): chr11:108,347,347, C>T. VCF-style: chr11-108347347-C-T. GRCh37 (hg19) VCF-style: chr11-108218074-C-T.
Other names: c.8653C>T, p.Leu2885Phe (NM_001351834.2); c.641-38276G>A (NM_001330368.2); c.695-12055G>A (NM_001351110.2); short protein forms L2885F.
Identifiers: ClinVar variation 453738 (VCV000453738.13), dbSNP rs775185939, ClinGen allele CA6266403.
Genomic context (GRCh38, chr11:108,347,347, plus strand): 5'-ATACTTGGACTTGGTGATAGACATGTACAGAATATCTTGATAAATGAGCAGTCAGCAGAA[C>T]TTGTACATATAGATCTAGGTAAGTAATAAAATCTATGTATCTATTCTTTTTAGTAAATAT-3'
Protein context (NP_000042.3, residues 2875-2895): NILINEQSAE[Leu2885Phe]VHIDLGVAFE

ClinVar aggregate classification (germline): Uncertain significance. Review status: criteria provided, multiple submitters, no conflicts (2 of 4 stars). 3 submissions from 3 submitters: Uncertain significance (3). Last evaluated 2024-02-03.

Conditions:
Hereditary cancer-predisposing syndrome. Also called: Neoplastic Syndromes, Hereditary; Hereditary Cancer Syndrome; Tumor predisposition; Hereditary neoplastic syndrome. Identifiers: Orphanet 140162, MedGen C0027672, MeSH D009386, MONDO:0015356.
Familial cancer of breast. Also called: Hereditary breast cancer; BREAST CANCER, FAMILIAL; hereditary breast carcinoma. Identifiers: Orphanet 227535, MedGen C0346153, MONDO:0016419, OMIM 114480. Disease mechanism: loss of function.
Ataxia-telangiectasia syndrome (AT). Also called: LOUIS-BAR SYNDROME; Cerebello-oculocutaneous telangiectasia; Immunodeficiency with ataxia telangiectasia; Ataxia-telangiectasia, complementation group D; AT, COMPLEMENTATION GROUP C; Ataxia-telangiectasia, complementation group E. Identifiers: Orphanet 100, MedGen C0004135, MONDO:0008840, OMIM 208900.

Allele frequency attached by ClinVar (database versions not stated): gnomAD exomes below 0.00001; ExAC 0.00001.
gnomAD v4.1: 2 of 1,605,896 alleles (0.00012%); highest among the groups gnomAD compares: African/African-American, 0.0013%; no homozygotes.

Submissions (3):

Fulgent Genetics
Classification: Uncertain significance for Familial cancer of breast; Ataxia-telangiectasia syndrome. Last evaluated: 2024-02-03. Review status: criteria provided, single submitter. Criteria: ACMG Guidelines, 2015. Collection method: clinical testing. Allele origin: germline.

Labcorp Genetics (formerly Invitae), Labcorp
Classification: Uncertain significance for Ataxia-telangiectasia syndrome. Last evaluated: 2023-10-17. Review status: criteria provided, single submitter. Criteria: Invitae Variant Classification Sherloc (09022015). Collection method: clinical testing. Allele origin: germline.
Comment: This sequence change replaces leucine, which is neutral and non-polar, with phenylalanine, which is neutral and non-polar, at codon 2885 of the ATM protein (p.Leu2885Phe). This variant is not present in population databases (gnomAD no frequency). This variant has not been reported in the literature in individuals affected with ATM-related conditions. ClinVar contains an entry for this variant (Variation ID: 453738). An algorithm developed to predict the effect of missense changes on protein structure and function (PolyPhen-2) suggests that this variant is likely to be disruptive. In summary, the available evidence is currently insufficient to determine the role of this variant in disease. Therefore, it has been classified as a Variant of Uncertain Significance.

Ambry Genetics
Classification: Uncertain significance for Hereditary cancer-predisposing syndrome. Last evaluated: 2017-12-05. Review status: criteria provided, single submitter. Criteria: Ambry Variant Classification Scheme 2023. Collection method: clinical testing. Allele origin: germline.